The following is an entry in ClinVar:

ClinVar aggregate classification (germline): Likely benign (1 of 4 stars; one submission).

Allele frequency attached by ClinVar (database versions not stated): ExAC 0.00003; gnomAD 0.00003; TOPMed 0.00006; ESP Exome Variant Server 0.00008; 1000 Genomes Project 30x 0.00016; 1000 Genomes Project 0.00020.
gnomAD v4.1: 33 of 1,614,034 alleles (0.002%); highest among the groups gnomAD compares: South Asian, 0.011%; no homozygotes.

Submission:

CeGaT Center for Human Genetics Tuebingen
Classification: Likely benign. Last evaluated: 2023-03-01. Review status: criteria provided, single submitter. Criteria: CeGaT Center For Human Genetics Tuebingen Variant Classification Criteria Version 2. Collection method: clinical testing. Allele origin: germline. Affected: yes. Observed: 1 variant allele.
Comment: TAF6: BP4, BP7

NM_139315.3(TAF6):c.1095C>T (p.Asp365=)

Genes: AP4M1 (adaptor related protein complex 4 subunit mu 1; plus strand), TAF6 (TATA-box binding protein associated factor 6; minus strand). Cytogenetic location: 7q22.1.
Variant type: single nucleotide variant.
Coding change: c.1095C>T on transcript NM_139315.3 (MANE Select); coding-DNA position 1095, C replaced by T.
Protein change: p.Asp365=; no amino-acid change (aspartic acid 365 retained).
Molecular consequence: synonymous variant. On other transcripts: non-coding transcript variant (1).
Genome position (GRCh38, 1-based): chr7:100,110,263, G>A on the plus strand (C>T on the coding strand, the complement: TAF6 is on the minus strand). VCF-style: chr7-100110263-G-A. GRCh37 (hg19) VCF-style: chr7-99707886-G-A.
Other names: c.1206C>T, p.Asp402= (NM_001190415.2); c.1095C>T, p.Asp365= (NM_001364998.1, NM_001364999.1, NM_005641.4); c.1065C>T, p.Asp355= (NM_001365000.1, NM_001365001.1, NM_001365002.1 and 1 more transcripts); c.1233C>T, p.Asp411= (NM_001365004.1).
Identifiers: ClinVar variation 2657734 (VCV002657734.24), dbSNP rs137973712, ClinGen allele CA4375425.